The following is an entry in ClinVar:

NM_001953.5(TYMP):c.214+4C>G

Gene: TYMP (thymidine phosphorylase; minus strand). Cytogenetic location: 22q13.33.
Variant type: single nucleotide variant.
Coding change: c.214+4C>G on transcript NM_001953.5 (MANE Select); 4 bases into the intron after coding-DNA position 214, C replaced by G.
Molecular consequence: intron variant.
Genome position (GRCh38, 1-based): chr22:50,529,492, G>C on the plus strand (C>G on the coding strand, the complement: TYMP is on the minus strand). VCF-style: chr22-50529492-G-C. GRCh37 (hg19) VCF-style: chr22-50967921-G-C.
Other names: c.214+4C>G (NM_001257989.1, NM_001257988.1, NM_001113755.3 and 1 more transcripts).
Identifiers: ClinVar variation 1982426 (VCV001982426.1), dbSNP rs1433995099, ClinGen allele CA754074390.

ClinVar aggregate classification (germline): Uncertain significance (1 of 4 stars; one submission).

Allele frequency attached by ClinVar (database versions not stated): gnomAD exomes below 0.00001; TOPMed below 0.00001.
gnomAD v4.1: 4 of 1,612,238 alleles (0.00025%); highest among the groups gnomAD compares: Non-Finnish European, 0.000085%; no homozygotes.

Submission:

Labcorp Genetics (formerly Invitae), Labcorp
Classification: Uncertain significance. Last evaluated: 2022-08-22. Review status: criteria provided, single submitter. Criteria: Invitae Variant Classification Sherloc (09022015). Collection method: clinical testing. Allele origin: germline.
Comment: This sequence change falls in intron 2 of the TYMP gene. It does not directly change the encoded amino acid sequence of the TYMP protein. It affects a nucleotide within the consensus splice site. This variant is not present in population databases (gnomAD no frequency). This variant has not been reported in the literature in individuals affected with TYMP-related conditions. Variants that disrupt the consensus splice site are a relatively common cause of aberrant splicing (PMID: 17576681, 9536098). Algorithms developed to predict the effect of sequence changes on RNA splicing suggest that this variant may disrupt the consensus splice site. In summary, the available evidence is currently insufficient to determine the role of this variant in disease. Therefore, it has been classified as a Variant of Uncertain Significance.

Literature cited by the submitters: PubMed 17576681; PubMed 9536098.